The following is an entry in ClinVar:

NM_001206999.2(CIT):c.651C>T (p.Tyr217=)

Gene: CIT (citron rho-interacting serine/threonine kinase; minus strand). Cytogenetic location: 12q24.23.
Variant type: single nucleotide variant.
Coding change: c.651C>T on transcript NM_001206999.2 (MANE Select); coding-DNA position 651, C replaced by T.
Protein change: p.Tyr217=; no amino-acid change (tyrosine 217 retained).
Molecular consequence: synonymous variant.
Genome position (GRCh38, 1-based): chr12:119,834,094, G>A on the plus strand (C>T on the coding strand, the complement: CIT is on the minus strand). VCF-style: chr12-119834094-G-A. GRCh37 (hg19) VCF-style: chr12-120271898-G-A.
Other names: c.651C>T, p.Tyr217= (NM_007174.3).
Identifiers: ClinVar variation 717356 (VCV000717356.30), dbSNP rs55876660, ClinGen allele CA6822350.

ClinVar aggregate classification (germline): Benign/Likely benign. Review status: criteria provided, multiple submitters, no conflicts (2 of 4 stars). 3 submissions from 3 submitters: Benign (1); Likely benign (2). Last evaluated 2024-10-11.

Allele frequency attached by ClinVar (database versions not stated): gnomAD 0.00011 and 0.00017; gnomAD exomes 0.00012 and 0.00040; TOPMed 0.00033; ExAC 0.00036; 1000 Genomes Project 0.00060; 1000 Genomes Project 30x 0.00062.
gnomAD v4.1: 207 of 1,610,960 alleles (0.013%); highest among the groups gnomAD compares: East Asian, 0.41%; 1 homozygote.

Submissions (3):

Blueprint Genetics
Classification: Likely benign. Last evaluated: 2024-10-11. Review status: criteria provided, single submitter. Criteria: ACMG Guidelines, 2015. Collection method: clinical testing. Allele origin: germline.

Labcorp Genetics (formerly Invitae), Labcorp
Classification: Benign. Last evaluated: 2024-08-13. Review status: criteria provided, single submitter. Criteria: Invitae Variant Classification Sherloc (09022015). Collection method: clinical testing. Allele origin: germline.

CeGaT Center for Human Genetics Tuebingen
Classification: Likely benign. Last evaluated: 2023-09-01. Review status: criteria provided, single submitter. Criteria: CeGaT Center For Human Genetics Tuebingen Variant Classification Criteria Version 2. Collection method: clinical testing. Allele origin: germline. Affected: yes. Observed: 1 variant allele.
Comment: CIT: BP4, BP7